The following is an entry in ClinVar:

ClinVar aggregate classification (germline): Conflicting classifications of pathogenicity. Review status: criteria provided, conflicting classifications (1 of 4 stars). 2 submissions from 2 submitters: Uncertain significance (1); Likely benign (1). Last evaluated 2024-12-19.

Conditions:
Hereditary cancer-predisposing syndrome. Also called: Hereditary neoplastic syndrome; Neoplastic Syndromes, Hereditary; Tumor predisposition; Hereditary Cancer Syndrome. Identifiers: Orphanet 140162, MedGen C0027672, MeSH D009386, MONDO:0015356.
Fanconi anemia complementation group J. Also called: BRIP1-Related Fanconi Anemia. Identifiers: Orphanet 84, MedGen C1836860, MONDO:0012187, OMIM 609054.
Familial cancer of breast. Also called: BREAST CANCER, FAMILIAL; hereditary breast carcinoma; Hereditary breast cancer. Identifiers: Orphanet 227535, MedGen C0346153, MONDO:0016419, OMIM 114480. Disease mechanism: loss of function.

Allele frequency attached by ClinVar (database versions not stated): gnomAD exomes below 0.00001; ExAC 0.00001; gnomAD 0.00001.
gnomAD v4.1: 1 of 1,614,090 alleles (0.000062%); highest among the groups gnomAD compares: African/African-American, 0.0013%; no homozygotes.

Submissions (2):

Ambry Genetics
Classification: Likely benign for Hereditary cancer-predisposing syndrome. Last evaluated: 2024-12-19. Review status: criteria provided, single submitter. Criteria: Ambry Variant Classification Scheme 2023. Collection method: clinical testing. Allele origin: germline.

Labcorp Genetics (formerly Invitae), Labcorp
Classification: Uncertain significance for Familial cancer of breast; Fanconi anemia complementation group J. Last evaluated: 2017-04-05. Review status: criteria provided, single submitter. Criteria: Invitae Variant Classification Sherloc (09022015). Collection method: clinical testing. Allele origin: germline.
Comment: In summary, this variant is a rare missense change that is not predicted to affect protein function. There is no indication that it causes disease, but the available evidence is currently insufficient to prove that conclusively. Therefore, it has been classified as a Variant of Uncertain Significance. Algorithms developed to predict the effect of missense changes on protein structure and function (SIFT, PolyPhen-2, Align-GVGD) all suggest that this variant is likely to be tolerated, but these predictions have not been confirmed by published functional studies. This variant is present in population databases (rs776129117, ExAC 0.01%) but has not been reported in the literature in individuals with a BRIP1-related disease. This sequence change replaces histidine with arginine at codon 1091 of the BRIP1 protein (p.His1091Arg). The histidine residue is weakly conserved and there is a small physicochemical difference between histidine and arginine.

NM_032043.3(BRIP1):c.3272A>G (p.His1091Arg)

Gene: BRIP1 (BRCA1 interacting DNA helicase 1; minus strand). Cytogenetic location: 17q23.2.
Variant type: single nucleotide variant.
Coding change: c.3272A>G on transcript NM_032043.3 (MANE Select); coding-DNA position 3272, A replaced by G.
Protein change: p.His1091Arg; replaces histidine 1091 with arginine.
Molecular consequence: missense variant.
Genome position (GRCh38, 1-based): chr17:61,683,774, T>C on the plus strand (A>G on the coding strand, the complement: BRIP1 is on the minus strand). VCF-style: chr17-61683774-T-C. GRCh37 (hg19) VCF-style: chr17-59761135-T-C.
Other names: short protein forms H1091R.
Identifiers: ClinVar variation 461143 (VCV000461143.10), dbSNP rs776129117, ClinGen allele CA8690376.